The following is an entry in ClinVar:

NM_016734.3(PAX5):c.1139C>T (p.Ala380Val)

Gene: PAX5 (paired box 5; minus strand). Cytogenetic location: 9p13.2.
Variant type: single nucleotide variant.
Coding change: c.1139C>T on transcript NM_016734.3 (MANE Select); coding-DNA position 1139, C replaced by T.
Protein change: p.Ala380Val; replaces alanine 380 with valine.
Molecular consequence: missense variant. On other transcripts: non-coding transcript variant (2).
Genome position (GRCh38, 1-based): chr9:36,840,597, G>A on the plus strand (C>T on the coding strand, the complement: PAX5 is on the minus strand). VCF-style: chr9-36840597-G-A. GRCh37 (hg19) VCF-style: chr9-36840594-G-A.
Other names: c.1037C>T, p.Ala346Val (NM_001280547.2); c.1052C>T, p.Ala351Val (NM_001280548.2); c.907C>T, p.Pro303Ser (NM_001280549.2); c.820C>T, p.Pro274Ser (NM_001280550.2); c.626C>T, p.Ala209Val (NM_001280551.2); c.950C>T, p.Ala317Val (NM_001280552.2); c.923C>T, p.Ala308Val (NM_001280553.2); c.1010C>T, p.Ala337Val (NM_001280554.2); and 2 more; short protein forms A317V, A380V, A209V, P303S, A272V, A280V, P274S, A308V.
Identifiers: ClinVar variation 4827573 (VCV004827573.1).

ClinVar aggregate classification (germline): Uncertain significance (1 of 4 stars; one submission).

Conditions:
Inborn genetic diseases. Identifiers: MedGen C0950123, MeSH D030342.

gnomAD v4.1: 3 of 1,583,482 alleles (0.00019%); highest among the groups gnomAD compares: Non-Finnish European, 0.00026%; no homozygotes.

Submission:

Ambry Genetics
Classification: Uncertain significance for Inborn genetic diseases. Last evaluated: 2026-03-12. Review status: criteria provided, single submitter. Criteria: Ambry Variant Classification Scheme 2023. Collection method: clinical testing. Allele origin: germline.
Comment: The p.A380V variant (also known as c.1139C>T), located in coding exon 10 of the PAX5 gene, results from a C to T substitution at nucleotide position 1139. The alanine at codon 380 is replaced by valine, an amino acid with similar properties. This amino acid position is conserved. In addition, the in silico prediction for this alteration is inconclusive. Based on the available evidence, the clinical significance of this variant remains unclear.